The following is an entry in ClinVar:

ClinVar aggregate classification (germline): Benign (0 of 4 stars; one submission).

Conditions:
PXDNL-related disorder. Also called: PXDNL-related condition.

Allele frequency attached by ClinVar (database versions not stated): ESP Exome Variant Server 0.00017; gnomAD 0.00216; ExAC 0.00396; 1000 Genomes Project 30x 0.01140; 1000 Genomes Project 0.01218.
gnomAD v4.1: 2,258 of 1,613,180 alleles (0.14%); highest among the groups gnomAD compares: East Asian, 3.7%; 59 homozygotes.

Submission:

PreventionGenetics, part of Exact Sciences
Classification: Benign for PXDNL-related condition. Last evaluated: 2019-08-20. Review status: no assertion criteria provided. Collection method: clinical testing. Allele origin: germline.
Comment: This variant is classified as benign based on ACMG/AMP sequence variant interpretation guidelines (Richards et al. 2015 PMID: 25741868, with internal and published modifications).

NM_144651.5(PXDNL):c.4137C>A (p.Leu1379=)

Gene: PXDNL (peroxidasin like; minus strand). Cytogenetic location: 8q11.22.
Variant type: single nucleotide variant.
Coding change: c.4137C>A on transcript NM_144651.5 (MANE Select); coding-DNA position 4137, C replaced by A.
Protein change: p.Leu1379=; no amino-acid change (leucine 1379 retained).
Molecular consequence: synonymous variant.
Genome position (GRCh38, 1-based): chr8:51,339,633, G>T on the plus strand (C>A on the coding strand, the complement: PXDNL is on the minus strand). VCF-style: chr8-51339633-G-T. GRCh37 (hg19) VCF-style: chr8-52252193-G-T.
Identifiers: ClinVar variation 3035044 (VCV003035044.2), dbSNP rs138123996, ClinGen allele CA4744573.